The following is an entry in ClinVar:

ClinVar aggregate classification (germline): Uncertain significance (1 of 4 stars; one submission).

Conditions:
Chédiak-Higashi syndrome (CHS). Also called: Chediak-Higashi Syndrome. Identifiers: Orphanet 167, MedGen C0007965, MONDO:0008963, OMIM 214500.

Allele frequency attached by ClinVar (database versions not stated): ExAC 0.00001; gnomAD 0.00001; gnomAD exomes 0.00001; TOPMed 0.00003.
gnomAD v4.1: 8 of 1,611,906 alleles (0.0005%); highest among the groups gnomAD compares: African/African-American, 0.004%; no homozygotes.

Submission:

Labcorp Genetics (formerly Invitae), Labcorp
Classification: Uncertain significance for Chédiak-Higashi syndrome. Last evaluated: 2025-09-15. Review status: criteria provided, single submitter. Criteria: Invitae Variant Classification Sherloc (09022015). Collection method: clinical testing. Allele origin: germline.
Comment: This sequence change replaces isoleucine, which is neutral and non-polar, with valine, which is neutral and non-polar, at codon 61 of the LYST protein (p.Ile61Val). This variant is present in population databases (rs776670065, gnomAD 0.003%). This variant has not been reported in the literature in individuals affected with LYST-related conditions. ClinVar contains an entry for this variant (Variation ID: 2061522). Invitae Evidence Modeling of protein sequence and biophysical properties (such as structural, functional, and spatial information, amino acid conservation, physicochemical variation, residue mobility, and thermodynamic stability) indicates that this missense variant is not expected to disrupt LYST protein function with a negative predictive value of 80%. In summary, the available evidence is currently insufficient to determine the role of this variant in disease. Therefore, it has been classified as a Variant of Uncertain Significance.

NM_000081.4(LYST):c.181A>G (p.Ile61Val)

Gene: LYST (lysosomal trafficking regulator; minus strand). Cytogenetic location: 1q42.3.
Variant type: single nucleotide variant.
Coding change: c.181A>G on transcript NM_000081.4 (MANE Select); coding-DNA position 181, A replaced by G.
Protein change: p.Ile61Val; replaces isoleucine 61 with valine.
Molecular consequence: missense variant. On other transcripts: non-coding transcript variant (1).
Genome position (GRCh38, 1-based): chr1:235,830,237, T>C on the plus strand (A>G on the coding strand, the complement: LYST is on the minus strand). VCF-style: chr1-235830237-T-C. GRCh37 (hg19) VCF-style: chr1-235993537-T-C.
Other names: c.181A>G, p.Ile61Val (NM_001301365.1); short protein forms I61V.
Identifiers: ClinVar variation 2061522 (VCV002061522.2), dbSNP rs776670065, ClinGen allele CA1467712.
Genomic context (GRCh38, chr1:235,830,237, plus strand): 5'-TTAACTATCATATATTGATGAAAGTAAGTATTTGATATAAAAATGTTACCTGATCAATTA[T>C]AGAATTTAGCTTGGTAAGTAATAGAAATCCTCGACCATGGACAAGGTACTGTCCAAGGGT-3'
Protein context (NP_000072.2, residues 51-71): GFLLLTKLNS[Ile61Val]IDQALTCREE